The following is an entry in ClinVar:

ClinVar aggregate classification (germline): Uncertain significance (1 of 4 stars; one submission).

Conditions:
Inborn genetic diseases. Identifiers: MedGen C0950123, MeSH D030342.

Submission:

Ambry Genetics
Classification: Uncertain significance for Inborn genetic diseases. Last evaluated: 2025-02-08. Review status: criteria provided, single submitter. Criteria: Ambry Variant Classification Scheme 2023. Collection method: clinical testing. Allele origin: germline.
Comment: The p.V391I variant (also known as c.1171G>A), located in coding exon 11 of the DDX41 gene, results from a G to A substitution at nucleotide position 1171. The valine at codon 391 is replaced by isoleucine, an amino acid with highly similar properties. This amino acid position is conserved. In addition, the in silico prediction for this alteration is inconclusive. Based on the available evidence, the clinical significance of this variant remains unclear.

NM_016222.4(DDX41):c.1171G>A (p.Val391Ile)

Gene: DDX41 (DEAD-box helicase 41; minus strand). Cytogenetic location: 5q35.3.
Variant type: single nucleotide variant.
Coding change: c.1171G>A on transcript NM_016222.4 (MANE Select); coding-DNA position 1171, G replaced by A.
Protein change: p.Val391Ile; replaces valine 391 with isoleucine.
Molecular consequence: missense variant.
Genome position (GRCh38, 1-based): chr5:177,513,412, C>T on the plus strand (G>A on the coding strand, the complement: DDX41 is on the minus strand). VCF-style: chr5-177513412-C-T. GRCh37 (hg19) VCF-style: chr5-176940413-C-T.
Other names: c.793G>A, p.Val265Ile (NM_001321732.2, NM_001321830.2); short protein forms V391I, V265I.
Identifiers: ClinVar variation 3839032 (VCV003839032.1).